The following is an entry in ClinVar:

NM_000395.3(CSF2RB):c.1997C>G (p.Pro666Arg)

Gene: CSF2RB (colony stimulating factor 2 receptor subunit beta; plus strand). Cytogenetic location: 22q12.3.
Variant type: single nucleotide variant.
Coding change: c.1997C>G on transcript NM_000395.3 (MANE Select); coding-DNA position 1997, C replaced by G.
Protein change: p.Pro666Arg; replaces proline 666 with arginine.
Molecular consequence: missense variant.
Genome position (GRCh38, 1-based): chr22:36,937,805, C>G. VCF-style: chr22-36937805-C-G. GRCh37 (hg19) VCF-style: chr22-37333847-C-G.
Other names: c.1997C>G (NM_000395.2); c.2015C>G, p.Pro672Arg (NM_001410827.1); short protein forms P672R, P666R.
Identifiers: ClinVar variation 1906637 (VCV001906637.6), dbSNP rs764403446, ClinGen allele CA10214021.

ClinVar aggregate classification (germline): Uncertain significance. Review status: criteria provided, multiple submitters, no conflicts (2 of 4 stars). 2 submissions from 2 submitters: Uncertain significance (2). Last evaluated 2025-03-07.

Conditions:
Inborn genetic diseases. Identifiers: MedGen C0950123, MeSH D030342.

Allele frequency attached by ClinVar (database versions not stated): TOPMed below 0.00001; gnomAD 0.00001; gnomAD exomes 0.00001; ExAC 0.00015; 1000 Genomes Project 30x 0.00016.

Submissions (2):

Ambry Genetics
Classification: Uncertain significance for Inborn genetic diseases. Last evaluated: 2025-03-07. Review status: criteria provided, single submitter. Criteria: Ambry Variant Classification Scheme 2023. Collection method: clinical testing. Allele origin: germline.

Labcorp Genetics (formerly Invitae), Labcorp
Classification: Uncertain significance. Last evaluated: 2024-05-06. Review status: criteria provided, single submitter. Criteria: Invitae Variant Classification Sherloc (09022015). Collection method: clinical testing. Allele origin: germline.
Comment: This sequence change replaces proline, which is neutral and non-polar, with arginine, which is basic and polar, at codon 666 of the CSF2RB protein (p.Pro666Arg). This variant is present in population databases (rs764403446, gnomAD 0.03%). This variant has not been reported in the literature in individuals affected with CSF2RB-related conditions. ClinVar contains an entry for this variant (Variation ID: 1906637). Advanced modeling of protein sequence and biophysical properties (such as structural, functional, and spatial information, amino acid conservation, physicochemical variation, residue mobility, and thermodynamic stability) performed at Invitae indicates that this missense variant is expected to disrupt CSF2RB protein function with a positive predictive value of 80%. In summary, the available evidence is currently insufficient to determine the role of this variant in disease. Therefore, it has been classified as a Variant of Uncertain Significance.